The following is an entry in ClinVar:

ClinVar aggregate classification (germline): Pathogenic/Likely pathogenic. Review status: criteria provided, multiple submitters, no conflicts (2 of 4 stars). 6 submissions from 6 submitters: Pathogenic (1); Likely pathogenic (4). 1 of the submissions does not count toward it. Last evaluated 2025-08-15.

Conditions:
SEPN1-related disorder. Also called: SEPN1-Related Disorders. Identifiers: MedGen CN239420.
Eichsfeld type congenital muscular dystrophy (CMYO3). Also called: Rigid spine muscular dystrophy 1; MYOPATHY, SEPN1-RELATED; SELENON-related myopathy; Congenital myopathy 3 with rigid spine. Identifiers: MedGen C0410180, MONDO:0100100, OMIM 602771.

Allele frequency attached by ClinVar (database versions not stated): gnomAD exomes below 0.00001 and 0.00001; TOPMed 0.00001; ExAC 0.00002.
gnomAD v4.1: 2 of 1,613,938 alleles (0.00012%); highest among the groups gnomAD compares: Non-Finnish European, 0.00017%; no homozygotes.

Submissions (6):

Labcorp Genetics (formerly Invitae), Labcorp
Classification: Likely pathogenic for Eichsfeld type congenital muscular dystrophy. Last evaluated: 2025-08-15. Review status: criteria provided, single submitter. Criteria: Invitae Variant Classification Sherloc (09022015). Collection method: clinical testing. Allele origin: germline.
Comment: This sequence change replaces histidine, which is basic and polar, with arginine, which is basic and polar, at codon 293 of the SELENON protein (p.His293Arg). This variant is present in population databases (rs776738184, gnomAD 0.002%). This missense change has been observed in individuals with congenital myopathy (PMID: 11528383, 12192640, 12207930, 16365872, 32796131). ClinVar contains an entry for this variant (Variation ID: 297025). An algorithm developed to predict the effect of missense changes on protein structure and function (PolyPhen-2) suggests that this variant is likely to be disruptive. In summary, the currently available evidence indicates that the variant is pathogenic, but additional data are needed to prove that conclusively. Therefore, this variant has been classified as Likely Pathogenic.

Women's Health and Genetics/Laboratory Corporation of America, LabCorp
Classification: Pathogenic for Eichsfeld type congenital muscular dystrophy. Last evaluated: 2025-01-28. Review status: criteria provided, single submitter. Criteria: LabCorp Variant Classification Summary - May 2015. Collection method: clinical testing. Allele origin: germline.
Comment: Variant summary: SELENON c.878A>G (p.His293Arg) results in a non-conservative amino acid change in the encoded protein sequence. Five of five in-silico tools predict a damaging effect of the variant on protein function. The variant allele was found at a frequency of 8e-06 in 249310 control chromosomes (gnomAD). c.878A>G has been reported in the literature in multiple compound heterozygous or homozygous individuals affected with SELENON-related myopathy (e.g. Moghadaszadeh_2001, Mercuri_2002, Ferreiro_2002, Clark_2006, Villar-Quiles_2020). These data indicate that the variant is very likely to be associated with disease. To our knowledge, no experimental evidence demonstrating an impact on protein function has been reported. The following publications have been ascertained in the context of this evaluation (PMID: 11528383, 12207930, 12192640, 16365872, 32796131). ClinVar contains an entry for this variant (Variation ID: 297025). Based on the evidence outlined above, the variant was classified as pathogenic.

Broad Center for Mendelian Genomics, Broad Institute of MIT and Harvard
Classification: Likely pathogenic. Last evaluated: 2023-01-24. Review status: criteria provided, single submitter. Criteria: ACMG Guidelines, 2015. Collection method: curation. Allele origin: germline. Inheritance: Autosomal recessive inheritance.
Comment: The p.His293Arg variant in SELENON has been reported in 4 individuals with SELENON-RM (PMID: 11528383, 12192640, 12207930, 16365872), segregated with disease in 2 affected relatives from 2 families (PMID: 11528383, 12192640), and has been identified in 0.002% (2/113176) of European (non-Finnish) chromosomes by the Genome Aggregation Database (gnomAD; dbSNP ID: rs776738184). Although this variant has been seen in the general population in a heterozygous state, its frequency is low enough to be consistent with a recessive carrier frequency. This variant has also been reported in ClinVar (Variation ID#: 297025) and has been interpreted as likely pathogenic by Illumina Laboratory Services (Illumina). Of the 4 affected individuals, 1 was a homozygote and 1 was a compound heterozygote that carried a reported pathogenic variant with unknown phase, which increases the likelihood that the p.His293Arg variant is pathogenic (PMID: 12207930, 11528383; Clinvar ID: 4492). Computational prediction tools and conservation analyses suggest that this variant may impact the protein, though this information is not predictive enough to determine pathogenicity. In summary, although additional studies are required to fully establish its clinical significance, this variant is likely pathogenic for autosomal recessive SELENON-RM. ACMG/AMP Criteria applied: PM2, PM3, PP1, PP3 (Richards 2015).

Illumina Laboratory Services, Illumina
Classification: Likely pathogenic for SEPN1-Related Disorders. Last evaluated: 2017-04-28. Review status: criteria provided, single submitter. Criteria: ICSL Variant Classification Criteria 09 May 2019. Collection method: clinical testing. Allele origin: germline.
Comment: The SEPN1 c.878A>G (p.His293Arg) missense variant has been reported in three studies in which it is found in five individuals, including one homozygote and two compound heterozygotes with rigid spine muscular dystrophy, and two compound heterozygotes with multiminicore disease (Moghadaszadeh et al. 2001; Ferreiro et al. 2002; Mercuri et al. 2002). The variant was also identified in a heterozygous state in two unaffected parents but was absent from 200 control chromosomes. The p.His293Arg variant is reported at a frequency of 0.00003 in the European (non-Finnish) population of the Exome Aggregation Consortium, though this is based on only two alleles in a region of good sequence coverage so the variant is presumed to be rare. Based on the evidence, the p.His293Arg variant is classified as likely pathogenic for SEPN1-related disorders. This variant was observed by ICSL as part of a predisposition screen in an ostensibly healthy population.

Juno Genomics, Hangzhou Juno Genomics, Inc
Classification: Likely pathogenic for Eichsfeld type congenital muscular dystrophy. Review status: criteria provided, single submitter. Criteria: ACMG Guidelines, 2015. Collection method: clinical testing. Allele origin: germline.
Comment: Absent from controls (or at extremely low frequency if recessive) in Genome Aggregation Database.;Multiple lines of computational evidence support a deleterious effect on the gene or gene product.;For recessive disorders, detected in trans with a pathogenic variant.

OMIM
Classification: Pathogenic for CONGENITAL MYOPATHY 3 WITH RIGID SPINE. Last evaluated: 2001-09-01. Review status: no assertion criteria provided. Collection method: literature only. Allele origin: germline. Not counted in ClinVar's aggregate classification.

Literature cited by the submitters: PubMed 11528383 (cited by 4 submitters); PubMed 12192640 (cited by 3 submitters); PubMed 12207930 (cited by 3 submitters); PubMed 16365872 (cited by Labcorp Genetics (formerly Invitae), Labcorp and Women's Health and Genetics/Laboratory Corporation of America, LabCorp); PubMed 32796131 (cited by Labcorp Genetics (formerly Invitae), Labcorp and Women's Health and Genetics/Laboratory Corporation of America, LabCorp).

NM_206926.2(SELENON):c.776A>G (p.His259Arg)

Gene: SELENON (selenoprotein N; plus strand). Cytogenetic location: 1p36.11.
Variant type: single nucleotide variant.
Coding change: c.776A>G on transcript NM_206926.2 (MANE Select); coding-DNA position 776, A replaced by G.
Protein change: p.His259Arg; replaces histidine 259 with arginine.
Molecular consequence: missense variant.
Genome position (GRCh38, 1-based): chr1:25,809,688, A>G. VCF-style: chr1-25809688-A-G. GRCh37 (hg19) VCF-style: chr1-26136179-A-G.
Other names: NM_020451.3(SELENON):c.878A>G; c.878A>G, p.His293Arg (NM_020451.3); short protein forms H293R, H259R.
Identifiers: ClinVar variation 297025 (VCV000297025.15), dbSNP rs776738184, ClinGen allele CA696675.